The following is an entry in ClinVar:

NM_000393.5(COL5A2):c.3787A>G (p.Lys1263Glu)

Gene: COL5A2 (collagen type V alpha 2 chain; minus strand). Cytogenetic location: 2q32.2.
Variant type: single nucleotide variant.
Coding change: c.3787A>G on transcript NM_000393.5 (MANE Select); coding-DNA position 3787, A replaced by G.
Protein change: p.Lys1263Glu; replaces lysine 1263 with glutamic acid.
Molecular consequence: missense variant.
Genome position (GRCh38, 1-based): chr2:189,039,410, T>C on the plus strand (A>G on the coding strand, the complement: COL5A2 is on the minus strand). VCF-style: chr2-189039410-T-C. GRCh37 (hg19) VCF-style: chr2-189904136-T-C.
Other names: short protein forms K1263E.
Identifiers: ClinVar variation 2744608 (VCV002744608.3), dbSNP rs2469221281, ClinGen allele CA349857799.
Genomic context (GRCh38, chr2:189,039,410, plus strand): 5'-GCATGGTTTCAATCTGACTACTGAGTGACTTCAGGGTAGCATGAACCCCTGGGTCCGTTT[T>C]GTTTTTGTCATCAGGAGCCGCCTGATCTTCAGTAAACTCAGGAAGTGGATCTGGCATGCT-3'
Protein context (NP_000384.2, residues 1253-1273): EDQAAPDDKN[Lys1263Glu]TDPGVHATLK

ClinVar aggregate classification (germline): Uncertain significance (1 of 4 stars; one submission).

Conditions:
Ehlers-Danlos syndrome, classic type, 1 (EDSCL1). Also called: EHLERS-DANLOS SYNDROME, GRAVIS TYPE; EHLERS-DANLOS SYNDROME, SEVERE CLASSIC TYPE; Ehlers-Danlos syndrome, type 1; Ehlers-Danlos Syndrome, Classic Type, COL5A1-Related; EDS I. Identifiers: MedGen C0268335, MONDO:0019567, OMIM 130000.

Submission:

Labcorp Genetics (formerly Invitae), Labcorp
Classification: Uncertain significance for Ehlers-Danlos syndrome, classic type, 1. Last evaluated: 2023-07-18. Review status: criteria provided, single submitter. Criteria: Invitae Variant Classification Sherloc (09022015). Collection method: clinical testing. Allele origin: germline.
Comment: In summary, the available evidence is currently insufficient to determine the role of this variant in disease. Therefore, it has been classified as a Variant of Uncertain Significance. This sequence change replaces lysine, which is basic and polar, with glutamic acid, which is acidic and polar, at codon 1263 of the COL5A2 protein (p.Lys1263Glu). This variant is not present in population databases (gnomAD no frequency). This variant has not been reported in the literature in individuals affected with COL5A2-related conditions. Advanced modeling of protein sequence and biophysical properties (such as structural, functional, and spatial information, amino acid conservation, physicochemical variation, residue mobility, and thermodynamic stability) performed at Invitae indicates that this missense variant is not expected to disrupt COL5A2 protein function.